The following is an entry in ClinVar:

ClinVar aggregate classification (germline): Uncertain significance (1 of 4 stars; one submission).

Submission:

CeGaT Center for Human Genetics Tuebingen
Classification: Uncertain significance. Last evaluated: 2024-07-01. Review status: criteria provided, single submitter. Criteria: CeGaT Center For Human Genetics Tuebingen Variant Classification Criteria Version 2. Collection method: clinical testing. Allele origin: germline. Affected: yes. Observed: 1 variant allele.
Comment: ASXL3: PM2

NM_030632.3(ASXL3):c.1043C>T (p.Pro348Leu)

Gene: ASXL3 (ASXL transcriptional regulator 3; plus strand). Cytogenetic location: 18q12.1.
Variant type: single nucleotide variant.
Coding change: c.1043C>T on transcript NM_030632.3 (MANE Select); coding-DNA position 1043, C replaced by T.
Protein change: p.Pro348Leu; replaces proline 348 with leucine.
Molecular consequence: missense variant.
Genome position (GRCh38, 1-based): chr18:33,734,376, C>T. VCF-style: chr18-33734376-C-T. GRCh37 (hg19) VCF-style: chr18-31314340-C-T.
Other names: short protein forms P348L.
Identifiers: ClinVar variation 3257392 (VCV003257392.17).
Genomic context (GRCh38, chr18:33,734,376, plus strand): 5'-TTACCCCAGAAATGCAGTTGCGGATAAGGCAAGAAATTGAGAAGGAAAAGAAAACAGAAC[C>T]TTGGAAAGAAAAATTCTTTGAGAGGTTTTATGGAGAAAAGTAAGTACTAGAGTATTTTTT-3'
Protein context (NP_085135.1, residues 338-358): QEIEKEKKTE[Pro348Leu]WKEKFFERFY